The following is an entry in ClinVar:

NM_052989.3(IFT122):c.3131C>T (p.Ala1044Val)

Gene: IFT122 (intraflagellar transport 122; plus strand). Cytogenetic location: 3q22.1.
Variant type: single nucleotide variant.
Coding change: c.3131C>T on transcript NM_052989.3 (MANE Select); coding-DNA position 3131, C replaced by T.
Protein change: p.Ala1044Val; replaces alanine 1044 with valine.
Molecular consequence: missense variant.
Genome position (GRCh38, 1-based): chr3:129,514,532, C>T. VCF-style: chr3-129514532-C-T. GRCh37 (hg19) VCF-style: chr3-129233375-C-T.
Other names: c.3110C>T, p.Ala1037Val (NM_001280541.2); c.2681C>T, p.Ala894Val (NM_001280545.2); c.2504C>T, p.Ala835Val (NM_001280546.2); c.2954C>T, p.Ala985Val (NM_018262.4); c.3284C>T, p.Ala1095Val (NM_052985.4); c.2801C>T, p.Ala934Val (NM_052990.3); short protein forms A1095V, A1037V, A835V, A985V, A1044V, A894V, A934V.
Identifiers: ClinVar variation 343261 (VCV000343261.12), dbSNP rs147341636, ClinGen allele CA2606791.

ClinVar aggregate classification (germline): Uncertain significance. Review status: criteria provided, multiple submitters, no conflicts (2 of 4 stars). 4 submissions from 4 submitters: Uncertain significance (4). Last evaluated 2024-06-26.

Conditions:
Cranioectodermal dysplasia 1 (CED1). Also called: LEVIN SYNDROME I. Identifiers: Orphanet 1515, MedGen C0432235, MONDO:0021093, OMIM 218330.

Allele frequency attached by ClinVar (database versions not stated): gnomAD 0.00011 and 0.00013; TOPMed 0.00014; ESP Exome Variant Server 0.00015; gnomAD exomes 0.00016 and 0.00019; ExAC 0.00018.
gnomAD v4.1: 260 of 1,614,242 alleles (0.016%); highest among the groups gnomAD compares: Middle Eastern, 0.18%; no homozygotes.

Submissions (4):

Blueprint Genetics
Classification: Uncertain significance. Last evaluated: 2024-06-26. Review status: criteria provided, single submitter. Criteria: ACMG Guidelines, 2015. Collection method: clinical testing. Allele origin: germline.

Fulgent Genetics
Classification: Uncertain significance for Cranioectodermal dysplasia 1. Last evaluated: 2024-04-05. Review status: criteria provided, single submitter. Criteria: ACMG Guidelines, 2015. Collection method: clinical testing. Allele origin: germline.

Labcorp Genetics (formerly Invitae), Labcorp
Classification: Uncertain significance for Cranioectodermal dysplasia 1. Last evaluated: 2024-01-02. Review status: criteria provided, single submitter. Criteria: Invitae Variant Classification Sherloc (09022015). Collection method: clinical testing. Allele origin: germline.
Comment: This sequence change replaces alanine, which is neutral and non-polar, with valine, which is neutral and non-polar, at codon 1095 of the IFT122 protein (p.Ala1095Val). This variant is present in population databases (rs147341636, gnomAD 0.03%). This variant has not been reported in the literature in individuals affected with IFT122-related conditions. ClinVar contains an entry for this variant (Variation ID: 343261). Advanced modeling of protein sequence and biophysical properties (such as structural, functional, and spatial information, amino acid conservation, physicochemical variation, residue mobility, and thermodynamic stability) performed at Invitae indicates that this missense variant is not expected to disrupt IFT122 protein function with a negative predictive value of 80%. In summary, the available evidence is currently insufficient to determine the role of this variant in disease. Therefore, it has been classified as a Variant of Uncertain Significance.

Illumina Laboratory Services, Illumina
Classification: Uncertain significance for Cranioectodermal dysplasia 1. Last evaluated: 2018-01-13. Review status: criteria provided, single submitter. Criteria: ICSL Variant Classification Criteria 13 December 2019. Collection method: clinical testing. Allele origin: germline.